The following is an entry in ClinVar:

ClinVar aggregate classification (germline): Benign/Likely benign. Review status: criteria provided, multiple submitters, no conflicts (2 of 4 stars). 4 submissions from 4 submitters: Benign (1); Likely benign (2). 1 of the submissions does not count toward it. Last evaluated 2026-01-27.

Conditions:
NBAS-related disorder. Also called: NBAS-related condition.

Allele frequency attached by ClinVar (database versions not stated): gnomAD 0.00023 and 0.00025; TOPMed 0.00024; gnomAD exomes 0.00034 and 0.00045; ExAC 0.00039; ESP Exome Variant Server 0.00062.

Submissions (4):

Labcorp Genetics (formerly Invitae), Labcorp
Classification: Benign. Last evaluated: 2026-01-27. Review status: criteria provided, single submitter. Criteria: Invitae Variant Classification Sherloc (09022015). Collection method: clinical testing. Allele origin: germline.

Mayo Clinic Laboratories, Mayo Clinic
Classification: Likely benign. Last evaluated: 2025-05-29. Review status: criteria provided, single submitter. Criteria: ACMG Guidelines, 2015. Collection method: clinical testing. Allele origin: germline. Observed: 1 variant allele.
Comment: BP4, BP7

Blueprint Genetics
Classification: Likely benign. Last evaluated: 2024-07-23. Review status: criteria provided, single submitter. Criteria: ACMG Guidelines, 2015. Collection method: clinical testing. Allele origin: germline.

PreventionGenetics, part of Exact Sciences
Classification: Likely benign for NBAS-related condition. Last evaluated: 2019-09-17. Review status: no assertion criteria provided. Collection method: clinical testing. Allele origin: germline. Not counted in ClinVar's aggregate classification.
Comment: This variant is classified as likely benign based on ACMG/AMP sequence variant interpretation guidelines (Richards et al. 2015 PMID: 25741868, with internal and published modifications).

NM_015909.4(NBAS):c.1980G>A (p.Lys660=)

Gene: NBAS (NBAS subunit of NRZ tethering complex; minus strand). Cytogenetic location: 2p24.3.
Variant type: single nucleotide variant.
Coding change: c.1980G>A on transcript NM_015909.4 (MANE Select); coding-DNA position 1980, G replaced by A.
Protein change: p.Lys660=; no amino-acid change (lysine 660 retained).
Molecular consequence: synonymous variant. On other transcripts: non-coding transcript variant (1).
Genome position (GRCh38, 1-based): chr2:15,467,702, C>T on the plus strand (G>A on the coding strand, the complement: NBAS is on the minus strand). VCF-style: chr2-15467702-C-T. GRCh37 (hg19) VCF-style: chr2-15607826-C-T.
Other names: p.Lys660=; c.1980G>A (NM_015909.3).
Identifiers: ClinVar variation 1599303 (VCV001599303.12), dbSNP rs141257411, ClinGen allele CA1536503.
Genomic context (GRCh38, chr2:15,467,702, plus strand): 5'-TGAACAGTAACAACTCATTTACTTGGAAAAGTTCACTAATTTCAGTAGTTCTTGTCTCTT[C>T]TTGAGCTCCTTTTCCTTTTTATTCTTGGCAGGCTCTTCATCAGGTGGTGAAAGCTCTTCA-3'
Protein context (NP_056993.2, residues 650-670): PAKNKKEKEL[Lys660=]KRQELLKLVN